The following is an entry in ClinVar:

NM_016507.4(CDK12):c.2123G>A (p.Arg708His)

Gene: CDK12 (cyclin dependent kinase 12; plus strand). Cytogenetic location: 17q12.
Variant type: single nucleotide variant.
Coding change: c.2123G>A on transcript NM_016507.4 (MANE Select); coding-DNA position 2123, G replaced by A.
Protein change: p.Arg708His; replaces arginine 708 with histidine.
Molecular consequence: missense variant.
Genome position (GRCh38, 1-based): chr17:39,492,765, G>A. VCF-style: chr17-39492765-G-A. GRCh37 (hg19) VCF-style: chr17-37649018-G-A.
Other names: c.2123G>A, p.Arg708His (NM_015083.4); short protein forms R708H.
Identifiers: ClinVar variation 3489173 (VCV003489173.1).

ClinVar aggregate classification (germline): Uncertain significance (1 of 4 stars; one submission).

gnomAD v4.1: 10 of 1,459,082 alleles (0.00069%); highest among the groups gnomAD compares: South Asian, 0.0023%; no homozygotes.

Submission:

Ambry Genetics
Classification: Uncertain significance. Last evaluated: 2024-10-05. Review status: criteria provided, single submitter. Criteria: Ambry Variant Classification Scheme 2023. Collection method: clinical testing. Allele origin: germline.
Comment: The p.R708H variant (also known as c.2123G>A), located in coding exon 4 of the CDK12 gene, results from a G to A substitution at nucleotide position 2123. The arginine at codon 708 is replaced by histidine, an amino acid with highly similar properties. This amino acid position is conserved. In addition, the in silico prediction for this alteration is inconclusive. Based on the available evidence, the clinical significance of this variant remains unclear.